The following is an entry in ClinVar:

ClinVar aggregate classification (germline): Uncertain significance. Review status: criteria provided, multiple submitters, no conflicts (2 of 4 stars). 3 submissions from 3 submitters: Uncertain significance (3). Last evaluated 2024-05-30.

Conditions:
Inborn genetic diseases. Identifiers: MedGen C0950123, MeSH D030342.

Allele frequency attached by ClinVar (database versions not stated): gnomAD exomes 0.00001; ExAC 0.00004; gnomAD 0.00009; TOPMed 0.00009; 1000 Genomes Project 0.00020; 1000 Genomes Project 30x 0.00031.
gnomAD v4.1: 34 of 1,614,132 alleles (0.0021%); highest among the groups gnomAD compares: African/African-American, 0.016%; no homozygotes.

Submissions (3):

Ambry Genetics
Classification: Uncertain significance for Inborn genetic diseases. Last evaluated: 2024-05-30. Review status: criteria provided, single submitter. Criteria: Ambry Variant Classification Scheme 2023. Collection method: clinical testing. Allele origin: germline.

GeneDx
Classification: Uncertain significance. Last evaluated: 2024-05-30. Review status: criteria provided, single submitter. Criteria: GeneDx Variant Classification Process June 2021. Collection method: clinical testing. Allele origin: germline. Affected: yes.
Comment: Not observed at significant frequency in large population cohorts (gnomAD); In silico analysis supports that this missense variant has a deleterious effect on protein structure/function; Has not been previously published as pathogenic or benign to our knowledge

Labcorp Genetics (formerly Invitae), Labcorp
Classification: Uncertain significance. Last evaluated: 2022-08-21. Review status: criteria provided, single submitter. Criteria: Invitae Variant Classification Sherloc (09022015). Collection method: clinical testing. Allele origin: germline.
Comment: This sequence change replaces arginine, which is basic and polar, with glutamine, which is neutral and polar, at codon 490 of the FLAD1 protein (p.Arg490Gln). This variant is present in population databases (rs201707334, gnomAD 0.01%). This variant has not been reported in the literature in individuals affected with FLAD1-related conditions. Algorithms developed to predict the effect of missense changes on protein structure and function (SIFT, PolyPhen-2, Align-GVGD) all suggest that this variant is likely to be tolerated. Algorithms developed to predict the effect of sequence changes on RNA splicing suggest that this variant may create or strengthen a splice site. In summary, the available evidence is currently insufficient to determine the role of this variant in disease. Therefore, it has been classified as a Variant of Uncertain Significance.

NM_025207.5(FLAD1):c.1469G>A (p.Arg490Gln)

Gene: FLAD1 (flavin adenine dinucleotide synthetase 1; plus strand). Cytogenetic location: 1q21.3.
Variant type: single nucleotide variant.
Coding change: c.1469G>A on transcript NM_025207.5 (MANE Select); coding-DNA position 1469, G replaced by A.
Protein change: p.Arg490Gln; replaces arginine 490 with glutamine.
Molecular consequence: missense variant.
Genome position (GRCh38, 1-based): chr1:154,990,443, G>A. VCF-style: chr1-154990443-G-A. GRCh37 (hg19) VCF-style: chr1-154962919-G-A.
Other names: c.1469G>A (NM_025207.4); c.1178G>A, p.Arg393Gln (NM_001184891.2, NM_201398.3); short protein forms R490Q, R393Q.
Identifiers: ClinVar variation 2172113 (VCV002172113.4), dbSNP rs201707334, ClinGen allele CA1134572.